The following is an entry in ClinVar:

NM_001134363.3(RBM20):c.2309A>G (p.Lys770Arg)

Gene: RBM20 (RNA binding motif protein 20; plus strand). Cytogenetic location: 10q25.2.
Variant type: single nucleotide variant.
Coding change: c.2309A>G on transcript NM_001134363.3 (MANE Select); coding-DNA position 2309, A replaced by G.
Protein change: p.Lys770Arg; replaces lysine 770 with arginine.
Molecular consequence: missense variant.
Genome position (GRCh38, 1-based): chr10:110,812,706, A>G. VCF-style: chr10-110812706-A-G. GRCh37 (hg19) VCF-style: chr10-112572464-A-G.
Other names: c.2309A>G (NM_001134363.1); short protein forms K770R.
Identifiers: ClinVar variation 998529 (VCV000998529.10), dbSNP rs1244728107, ClinGen allele CA378373283.
Genomic context (GRCh38, chr10:110,812,706, plus strand): 5'-CCAGCTACAAAAGCCGTGAAGACGGCTACTACCGGAAAGAGCCCAAAGCCAAGTCGGACA[A>G]GTATCTGAAGCAGCAGCAGGATGCCCCCGGGAGGTCCAGGAGGAAAGACGAGGCCAGGCT-3'
Protein context (NP_001127835.2, residues 760-780): YRKEPKAKSD[Lys770Arg]YLKQQQDAPG

ClinVar aggregate classification (germline): Uncertain significance. Review status: criteria provided, multiple submitters, no conflicts (2 of 4 stars). 2 submissions from 2 submitters: Uncertain significance (2). Last evaluated 2025-10-05.

Conditions:
Cardiovascular phenotype. Identifiers: MedGen CN230736.
Dilated cardiomyopathy 1DD (CMD1DD). Identifiers: Orphanet 154, MedGen C2750995, MONDO:0013168, OMIM 613172.

Allele frequency attached by ClinVar (database versions not stated): TOPMed 0.00002.
gnomAD v4.1: 2 of 1,551,752 alleles (0.00013%); highest among the groups gnomAD compares: Middle Eastern, 0.017%; no homozygotes.

Submissions (2):

Labcorp Genetics (formerly Invitae), Labcorp
Classification: Uncertain significance for Dilated cardiomyopathy 1DD. Last evaluated: 2025-10-05. Review status: criteria provided, single submitter. Criteria: Invitae Variant Classification Sherloc (09022015). Collection method: clinical testing. Allele origin: germline.
Comment: This sequence change replaces lysine, which is basic and polar, with arginine, which is basic and polar, at codon 770 of the RBM20 protein (p.Lys770Arg). This variant is not present in population databases (gnomAD no frequency). This variant has not been reported in the literature in individuals affected with RBM20-related conditions. ClinVar contains an entry for this variant (Variation ID: 998529). Invitae Evidence Modeling of protein sequence and biophysical properties (such as structural, functional, and spatial information, amino acid conservation, physicochemical variation, residue mobility, and thermodynamic stability) indicates that this missense variant is not expected to disrupt RBM20 protein function with a negative predictive value of 95%. In summary, the available evidence is currently insufficient to determine the role of this variant in disease. Therefore, it has been classified as a Variant of Uncertain Significance.

Ambry Genetics
Classification: Uncertain significance for Cardiovascular phenotype. Last evaluated: 2025-07-13. Review status: criteria provided, single submitter. Criteria: Ambry Variant Classification Scheme 2023. Collection method: clinical testing. Allele origin: germline.
Comment: The p.K770R variant (also known as c.2309A>G), located in coding exon 9 of the RBM20 gene, results from an A to G substitution at nucleotide position 2309. The lysine at codon 770 is replaced by arginine, an amino acid with highly similar properties. This amino acid position is conserved. In addition, this alteration is predicted to be tolerated by in silico analysis. Based on the available evidence, the clinical significance of this variant remains unclear.